The following is an entry in ClinVar:

ClinVar aggregate classification (germline): Uncertain significance. Review status: criteria provided, multiple submitters, no conflicts (2 of 4 stars). 3 submissions from 3 submitters: Uncertain significance (2). 1 of the submissions does not count toward it. Last evaluated 2026-05-26.

Conditions:
FDXR-related disorder. Also called: FDXR-related condition; FDXR-related disorders.
Inborn genetic diseases. Identifiers: MedGen C0950123, MeSH D030342.

gnomAD v4.1: 290 of 1,576,140 alleles (0.018%); highest among the groups gnomAD compares: South Asian, 0.14%; 1 homozygote.

Submissions (3):

Ambry Genetics
Classification: Uncertain significance for Inborn genetic diseases. Last evaluated: 2026-05-26. Review status: criteria provided, single submitter. Criteria: Ambry Variant Classification Scheme 2023. Collection method: clinical testing. Allele origin: germline.
Comment: The c.827C>A (p.P276H) alteration is located in exon 9 (coding exon 9) of the FDXR gene. This alteration results from a C to A substitution at nucleotide position 827, causing the proline (P) at amino acid position 276 to be replaced by a histidine (H). Based on data from gnomAD, the A allele has an overall frequency of 0.027% (59/222320) total alleles studied. The highest observed frequency was 0.117% (31/26520) of South Asian alleles. Based on insufficient or conflicting evidence, the clinical significance of this alteration remains unclear.

Blueprint Genetics
Classification: Uncertain significance. Last evaluated: 2024-11-26. Review status: criteria provided, single submitter. Criteria: ACMG Guidelines, 2015. Collection method: clinical testing. Allele origin: germline.

PreventionGenetics, part of Exact Sciences
Classification: Uncertain significance for FDXR-related condition. Last evaluated: 2024-08-19. Review status: no assertion criteria provided. Collection method: clinical testing. Allele origin: germline. Not counted in ClinVar's aggregate classification.
Comment: The FDXR c.809C>A variant is predicted to result in the amino acid substitution p.Pro270His. To our knowledge, this variant has not been reported in the literature. This variant is reported in 0.12% of alleles in individuals of South Asian descent in gnomAD, including one homozygote in the larger gnomAD v4.1.1 dataset. Although we suspect that this variant may be benign, at this time, the clinical significance of this variant is uncertain due to the absence of conclusive functional and genetic evidence.

NM_024417.5(FDXR):c.809C>A (p.Pro270His)

Gene: FDXR (ferredoxin reductase; minus strand). Cytogenetic location: 17q25.1.
Variant type: single nucleotide variant.
Coding change: c.809C>A on transcript NM_024417.5 (MANE Select); coding-DNA position 809, C replaced by A.
Protein change: p.Pro270His; replaces proline 270 with histidine.
Molecular consequence: missense variant. On other transcripts: non-coding transcript variant (1).
Genome position (GRCh38, 1-based): chr17:74,864,341, G>T on the plus strand (C>A on the coding strand, the complement: FDXR is on the minus strand). VCF-style: chr17-74864341-G-T. GRCh37 (hg19) VCF-style: chr17-72860463-G-T.
Other names: c.938C>A, p.Pro313His (NM_001258012.4); c.902C>A, p.Pro301His (NM_001258013.4); c.785C>A, p.Pro262His (NM_001258014.4); c.689C>A, p.Pro230His (NM_001258015.3); c.653C>A, p.Pro218His (NM_001258016.3); c.827C>A, p.Pro276His (NM_004110.6); c.827C>A (NM_004110.3); short protein forms P218H, P230H, P262H, P270H, P276H, P301H, P313H.
Identifiers: ClinVar variation 3353105 (VCV003353105.3).